The following is an entry in ClinVar:

NM_001358921.2(COQ2):c.808C>T (p.Arg270Trp)

Gene: COQ2 (coenzyme Q2, polyprenyltransferase; minus strand). Cytogenetic location: 4q21.23.
Variant type: single nucleotide variant.
Coding change: c.808C>T on transcript NM_001358921.2 (MANE Select); coding-DNA position 808, C replaced by T.
Protein change: p.Arg270Trp; replaces arginine 270 with tryptophan.
Molecular consequence: missense variant.
Genome position (GRCh38, 1-based): chr4:83,267,729, G>A on the plus strand (C>T on the coding strand, the complement: COQ2 is on the minus strand). VCF-style: chr4-83267729-G-A. GRCh37 (hg19) VCF-style: chr4-84188882-G-A.
Other names: c.958C>T, p.Arg320Trp (NM_015697.9); short protein forms R320W, R270W.
Identifiers: ClinVar variation 1474773 (VCV001474773.8), dbSNP rs886059669, ClinGen allele CA10619414.

ClinVar aggregate classification (germline): Uncertain significance. Review status: criteria provided, multiple submitters, no conflicts (2 of 4 stars). 4 submissions from 4 submitters: Uncertain significance (4). Last evaluated 2026-01-19.

Conditions:
Multiple system atrophy 1, susceptibility to. Also called: MSA1, SUSCEPTIBILITY TO. Identifiers: MedGen C3714927, MONDO:0020715, OMIM 146500.
Coenzyme Q10 deficiency, primary, 1. Also called: UBIQUINONE DEFICIENCY 1; COENZYME Q DEFICIENCY 1; CoQ DEFICIENCY 1. Identifiers: Orphanet 255249, MedGen C3551954, MONDO:0011829, OMIM 607426.
Inborn genetic diseases. Identifiers: MedGen C0950123, MeSH D030342.

Allele frequency attached by ClinVar (database versions not stated): gnomAD 0.00001 and 0.00048; gnomAD exomes 0.00004 and 0.00009; TOPMed 0.00060.
gnomAD v4.1: 128 of 1,551,984 alleles (0.0082%); highest among the groups gnomAD compares: Admixed American, 0.035%; 1 homozygote.

Submissions (4):

Labcorp Genetics (formerly Invitae), Labcorp
Classification: Uncertain significance. Last evaluated: 2026-01-19. Review status: criteria provided, single submitter. Criteria: Invitae Variant Classification Sherloc (09022015). Collection method: clinical testing. Allele origin: germline.
Comment: This sequence change replaces arginine, which is basic and polar, with tryptophan, which is neutral and slightly polar, at codon 320 of the COQ2 protein (p.Arg320Trp). This variant is present in population databases (no rsID available, gnomAD 0.04%). This missense change has been observed in individual(s) with hypertrophic cardiomyopathy (PMID: 32746448). ClinVar contains an entry for this variant (Variation ID: 1474773). Invitae Evidence Modeling of protein sequence and biophysical properties (such as structural, functional, and spatial information, amino acid conservation, physicochemical variation, residue mobility, and thermodynamic stability) indicates that this missense variant is not expected to disrupt COQ2 protein function with a negative predictive value of 80%. In summary, the available evidence is currently insufficient to determine the role of this variant in disease. Therefore, it has been classified as a Variant of Uncertain Significance.

GeneDx
Classification: Uncertain significance. Last evaluated: 2024-10-14. Review status: criteria provided, single submitter. Criteria: GeneDx Variant Classification Process June 2021. Collection method: clinical testing. Allele origin: germline. Affected: yes.
Comment: In silico analysis supports that this missense variant has a deleterious effect on protein structure/function; Heterozygous in a patient with hypertrophic cardiomyopathy (PMID: 32746448); This variant is associated with the following publications: (PMID: 32746448)

Fulgent Genetics
Classification: Uncertain significance for Multiple system atrophy 1, susceptibility to; Coenzyme Q10 deficiency, primary, 1. Last evaluated: 2024-05-28. Review status: criteria provided, single submitter. Criteria: ACMG Guidelines, 2015. Collection method: clinical testing. Allele origin: germline.

Ambry Genetics
Classification: Uncertain significance for Inborn genetic diseases. Last evaluated: 2022-09-12. Review status: criteria provided, single submitter. Criteria: Ambry Variant Classification Scheme 2023. Collection method: clinical testing. Allele origin: germline.

Literature cited by the submitters: PubMed 32746448 (cited by Labcorp Genetics (formerly Invitae), Labcorp and Ambry Genetics).